The following is an entry in ClinVar:

ClinVar aggregate classification (germline): Uncertain significance (1 of 4 stars; one submission).

gnomAD v4.1: 2 of 1,613,688 alleles (0.00012%); highest among the groups gnomAD compares: East Asian, 0.0022%; no homozygotes.

Submission:

Labcorp Genetics (formerly Invitae), Labcorp
Classification: Uncertain significance. Last evaluated: 2025-09-12. Review status: criteria provided, single submitter. Criteria: Invitae Variant Classification Sherloc (09022015). Collection method: clinical testing. Allele origin: germline.
Comment: This sequence change replaces arginine, which is basic and polar, with lysine, which is basic and polar, at codon 1234 of the FBN3 protein (p.Arg1234Lys). This variant is present in population databases (rs569358238, gnomAD 0.0009%). This variant has not been reported in the literature in individuals affected with FBN3-related conditions. An algorithm developed to predict the effect of missense changes on protein structure and function outputs the following: PolyPhen-2: "Benign". The lysine amino acid residue is found in multiple mammalian species, which suggests that this missense change does not adversely affect protein function. In summary, the available evidence is currently insufficient to determine the role of this variant in disease. Therefore, it has been classified as a Variant of Uncertain Significance.

NM_032447.5(FBN3):c.3701G>A (p.Arg1234Lys)

Gene: FBN3 (fibrillin 3; minus strand). Cytogenetic location: 19p13.2.
Variant type: single nucleotide variant.
Coding change: c.3701G>A on transcript NM_032447.5 (MANE Select); coding-DNA position 3701, G replaced by A.
Protein change: p.Arg1234Lys; replaces arginine 1234 with lysine.
Molecular consequence: missense variant.
Genome position (GRCh38, 1-based): chr19:8,116,685, C>T on the plus strand (G>A on the coding strand, the complement: FBN3 is on the minus strand). VCF-style: chr19-8116685-C-T. GRCh37 (hg19) VCF-style: chr19-8181569-C-T.
Other names: c.3701G>A, p.Arg1234Lys (NM_001321431.2); short protein forms R1234K.
Identifiers: ClinVar variation 4749819 (VCV004749819.1).
Genomic context (GRCh38, chr19:8,116,685, plus strand): 5'-CTGACACTGCCTCCTCCACCCGCCCCGCCCCACCGTCCCGGCTCCTCACCAACACATGTC[C>T]TCATGTCTGGCGTGGCCATGAAGCCATCATAGCACAGGCAGCGGTGACCCCCTGGCATGT-3'
Protein context (NP_115823.3, residues 1224-1244): YDGFMATPDM[Arg1234Lys]TCVDVDECDL